The following is an entry in ClinVar:

ClinVar aggregate classification (germline): Uncertain significance (1 of 4 stars; one submission).

Submission:

Labcorp Genetics (formerly Invitae), Labcorp
Classification: Uncertain significance. Last evaluated: 2023-10-05. Review status: criteria provided, single submitter. Criteria: Invitae Variant Classification Sherloc (09022015). Collection method: clinical testing. Allele origin: germline.
Comment: This sequence change replaces serine, which is neutral and polar, with threonine, which is neutral and polar, at codon 178 of the FOXI3 protein (p.Ser178Thr). This variant is not present in population databases (gnomAD no frequency). This variant has not been reported in the literature in individuals affected with FOXI3-related conditions. Experimental studies and prediction algorithms are not available or were not evaluated, and the functional significance of this variant is currently unknown. In summary, the available evidence is currently insufficient to determine the role of this variant in disease. Therefore, it has been classified as a Variant of Uncertain Significance.

NM_001135649.3(FOXI3):c.533G>C (p.Ser178Thr)

Gene: FOXI3 (forkhead box I3; minus strand). Cytogenetic location: 2p11.2.
Variant type: single nucleotide variant.
Coding change: c.533G>C on transcript NM_001135649.3 (MANE Select); coding-DNA position 533, G replaced by C.
Protein change: p.Ser178Thr; replaces serine 178 with threonine.
Molecular consequence: missense variant.
Genome position (GRCh38, 1-based): chr2:88,452,003, C>G on the plus strand (G>C on the coding strand, the complement: FOXI3 is on the minus strand). VCF-style: chr2-88452003-C-G. GRCh37 (hg19) VCF-style: chr2-88751522-C-G.
Other names: short protein forms S178T.
Identifiers: ClinVar variation 2765922 (VCV002765922.3), dbSNP rs2104263538, ClinGen allele CA347766139.